The following is an entry in ClinVar:

ClinVar aggregate classification (germline): Uncertain significance. Review status: criteria provided, multiple submitters, no conflicts (2 of 4 stars). 2 submissions from 2 submitters: Uncertain significance (2). Last evaluated 2025-04-11.

Conditions:
Wilms tumor 1 (WT1). Also called: Wilms tumor, somatic. Identifiers: Orphanet 654, MedGen CN033288, MONDO:0008679, OMIM 194070.
11p partial monosomy syndrome (WAGR). Also called: WAGR syndrome; WAGR Spectrum Disorder; CHROMOSOME 11p13 DELETION SYNDROME; WAGR Complex. Identifiers: Orphanet 893, MedGen C0206115, MONDO:0008681, OMIM 194072.
Frasier syndrome. Identifiers: Orphanet 347, MedGen C0950122, MeSH D052159, MONDO:0007635, OMIM 136680.
Drash syndrome (DDS). Also called: WILMS TUMOR AND PSEUDO- OR TRUE HERMAPHRODITISM; NEPHROPATHY, WILMS TUMOR, AND GENITAL ANOMALIES. Identifiers: Orphanet 220, MedGen C0950121, MONDO:0008682, OMIM 194080.
Inborn genetic diseases. Identifiers: MedGen C0950123, MeSH D030342.

Submissions (2):

Ambry Genetics
Classification: Uncertain significance for Inborn genetic diseases. Last evaluated: 2025-04-11. Review status: criteria provided, single submitter. Criteria: Ambry Variant Classification Scheme 2023. Collection method: clinical testing. Allele origin: germline.
Comment: The p.Q155E variant (also known as c.463C>G), located in coding exon 1 of the WT1 gene, results from a C to G substitution at nucleotide position 463. The glutamine at codon 155 is replaced by glutamic acid, an amino acid with highly similar properties. This amino acid position is conserved. In addition, this alteration is predicted to be tolerated by in silico analysis. Based on the available evidence, the clinical significance of this variant remains unclear.

Labcorp Genetics (formerly Invitae), Labcorp
Classification: Uncertain significance for Wilms tumor 1; Drash syndrome; 11p partial monosomy syndrome; Frasier syndrome. Last evaluated: 2023-06-03. Review status: criteria provided, single submitter. Criteria: Invitae Variant Classification Sherloc (09022015). Collection method: clinical testing. Allele origin: germline.
Comment: This sequence change replaces glutamine, which is neutral and polar, with glutamic acid, which is acidic and polar, at codon 155 of the WT1 protein (p.Gln155Glu). This variant is not present in population databases (gnomAD no frequency). This variant has not been reported in the literature in individuals affected with WT1-related conditions. ClinVar contains an entry for this variant (Variation ID: 934034). An algorithm developed to predict the effect of missense changes on protein structure and function (PolyPhen-2) suggests that this variant is likely to be tolerated. In summary, the available evidence is currently insufficient to determine the role of this variant in disease. Therefore, it has been classified as a Variant of Uncertain Significance.

NM_024426.6(WT1):c.478C>G (p.Gln160Glu)

Genes: WT1 (WT1 transcription factor; minus strand), LOC107982234 (WT1/WT1-AS bi-directional promoter region; plus strand). Cytogenetic location: 11p13.
Variant type: single nucleotide variant.
Coding change: c.478C>G on transcript NM_024426.6 (MANE Select); coding-DNA position 478, C replaced by G.
Protein change: p.Gln160Glu; replaces glutamine 160 with glutamic acid.
Molecular consequence: missense variant. On other transcripts: non-coding transcript variant (1).
Genome position (GRCh38, 1-based): chr11:32,434,883, G>C on the plus strand (C>G on the coding strand, the complement: WT1 is on the minus strand). VCF-style: chr11-32434883-G-C. GRCh37 (hg19) VCF-style: chr11-32456429-G-C.
Other names: c.478C>G, p.Gln160Glu (NM_000378.6, NM_024424.5); short protein forms Q160E.
Identifiers: ClinVar variation 934034 (VCV000934034.11), dbSNP rs1554946500, ClinGen allele CA379964946.